The following is an entry in ClinVar:

NM_000540.3(RYR1):c.1739_1742dup (p.His581fs)

Gene: RYR1 (ryanodine receptor 1; plus strand). Cytogenetic location: 19q13.2.
Variant type: Duplication.
Coding change: c.1739_1742dup on transcript NM_000540.3 (MANE Select); coding-DNA positions 1739 to 1742, 4 bases duplicated (ATCA; older notation c.1739_1742dupATCA).
Protein change: p.His581fs; shifts the reading frame from histidine 581.
Molecular consequence: frameshift variant.
Genome position (GRCh38, 1-based): chr19:38,455,699-38,455,702, ATCA duplicated; duplicating any 4 consecutive bases within chr19:38,455,698-38,455,702 gives the same sequence; the c. name uses the placement nearest the transcript's 3' end. VCF-style (leftmost placement, unchanged base first): chr19-38455697-G-GAATC. GRCh37 (hg19) VCF-style: chr19-38946337-G-GAATC.
Other names: c.1739_1742dupATCA (NM_000540.2); c.1739_1742dup, p.His581fs (NM_001042723.2); short protein forms H581fs.
Identifiers: ClinVar variation 12994 (VCV000012994.11), dbSNP rs193922771, ClinGen allele CA024307.

ClinVar aggregate classification (germline): Pathogenic. Review status: criteria provided, multiple submitters, no conflicts (2 of 4 stars). 5 submissions from 5 submitters: Pathogenic (2). 3 of the submissions do not count toward it. Last evaluated 2024-07-09.

Conditions:
RYR1-related disorder. Also called: RYR1-related condition; RYR1-related disorders. Identifiers: MedGen CN239331.
Congenital multicore myopathy with external ophthalmoplegia (CMYO1B). Also called: Congenital myopathy 1B, autosomal recessive; Minicore myopathy; MULTIMINICORE DISEASE WITH EXTERNAL OPHTHALMOPLEGIA; Minicore myopathy with external ophthalmoplegia; MULTICORE MYOPATHY. Identifiers: Orphanet 598, Orphanet 98905, MedGen C1850674, MONDO:0009712, OMIM 255320, HP:0003789.
Malignant hyperthermia, susceptibility to, 1 (MHS1). Also called: RYR1-Related Malignant Hyperthermia Susceptibility; Anesthesia related hyperthermia; Malignant hyperpyrexia; Fulminating hyperpyrexia; Pharmacogenic myopathy; Malignant hyperthermia suceptibility 1. Identifiers: Orphanet 423, MedGen C2930980, MONDO:0007783, OMIM 145600.

Submissions (5):

GeneDx
Classification: Pathogenic. Last evaluated: 2024-07-09. Review status: criteria provided, single submitter. Criteria: GeneDx Variant Classification Process June 2021. Collection method: clinical testing. Allele origin: germline. Affected: yes.
Comment: Frameshift variant predicted to result in protein truncation or nonsense mediated decay in a gene for which loss-of-function is a known mechanism of disease; Not observed at significant frequency in large population cohorts (gnomAD); This variant is associated with the following publications: (PMID: 18253926)

Labcorp Genetics (formerly Invitae), Labcorp
Classification: Pathogenic for RYR1-related disorder. Last evaluated: 2023-10-29. Review status: criteria provided, single submitter. Criteria: Invitae Variant Classification Sherloc (09022015). Collection method: clinical testing. Allele origin: germline.
Comment: This sequence change creates a premature translational stop signal (p.His581Glnfs*30) in the RYR1 gene. It is expected to result in an absent or disrupted protein product. Loss-of-function variants in RYR1 are known to be pathogenic (PMID: 23919265, 25960145, 28818389, 30611313). This variant is not present in population databases (gnomAD no frequency). This premature translational stop signal has been observed in individual(s) with autosomal recessive congenital myopathy (PMID: 18253926). This variant is also known as p.His581GlnfsX29. ClinVar contains an entry for this variant (Variation ID: 12994). For these reasons, this variant has been classified as Pathogenic.

OMIM
Classification: Pathogenic for CONGENITAL MYOPATHY 1B, AUTOSOMAL RECESSIVE. Last evaluated: 2008-05-01. Review status: no assertion criteria provided. Collection method: literature only. Allele origin: germline. Not counted in ClinVar's aggregate classification.

RYR1 database
No classification provided. Review status: no classification provided. Collection method: not provided. Allele origin: unknown. Not counted in ClinVar's aggregate classification.

Color Diagnostics, LLC DBA Color Health
Classification: Uncertain significance for Malignant hyperthermia, susceptibility to, 1. Last evaluated: 2025-07-18. Review status: flagged submission. Criteria: ACMG Guidelines, 2015. Collection method: clinical testing. Allele origin: germline. Not counted in ClinVar's aggregate classification.
Comment: This pathogenicity assessment is for autosomal dominant malignant hyperthermia susceptibility phenotype. This frameshift variant is predicted to result in an absent RYR1 protein product. Loss of RYR1 function due to haploinsufficiency is associated with congenital myopathy, but it is not an established disease mechanism for autosomal dominant malignant hyperthermia susceptibility. Therefore, this variant is classified as a Variant of Uncertain Significance for malignant hyperthermia susceptibility.
ClinVar note: Reason: Outlier claim with insufficient supporting evidence

Literature cited by the submitters: PubMed 23919265 (cited by Labcorp Genetics (formerly Invitae), Labcorp); PubMed 25960145 (cited by Labcorp Genetics (formerly Invitae), Labcorp); PubMed 28818389 (cited by Labcorp Genetics (formerly Invitae), Labcorp); PubMed 30611313 (cited by Labcorp Genetics (formerly Invitae), Labcorp); PubMed 18253926 (cited by Labcorp Genetics (formerly Invitae), Labcorp and OMIM).